The following is an entry in ClinVar:

NC_000002.11:g.(?_62051973)_(62063254_?)del

Gene: FAM161A (FAM161 centrosomal protein A; minus strand). Cytogenetic location: 2p15.
Variant type: Deletion.
Identifiers: ClinVar variation 1409472 (VCV001409472.6).

ClinVar aggregate classification (germline): Pathogenic (1 of 4 stars; one submission).

Submission:

Labcorp Genetics (formerly Invitae), Labcorp
Classification: Pathogenic. Last evaluated: 2021-06-24. Review status: criteria provided, single submitter. Criteria: Invitae Variant Classification Sherloc (09022015). Collection method: clinical testing. Allele origin: germline.
Comment: This variant is a gross deletion of the genomic region encompassing exon(s) 5-7 of the FAM161A gene. The 5' boundary is likely confined to intron 4. The 3' end of this event is unknown as it extends through the termination codon beyond the assayed region for this gene and may encompass additional genes. While this deletion is not anticipated to lead to nonsense mediated decay, it is expected to alter mRNA translation or result in a truncated protein product. This variant has not been reported in the literature in individuals with FAM161A-related conditions. The region of the FAM161A gene that includes exon(s) 6-7 has been determined to be clinically significant (Invitae). Therefore, deletions that encompass that region are likely to disrupt protein function and cause disease. For these reasons, this variant has been classified as Pathogenic.